The following is an entry in ClinVar:

NM_032243.6(TXNDC2):c.934A>G (p.Lys312Glu)

Gene: TXNDC2 (thioredoxin domain containing 2; plus strand). Cytogenetic location: 18p11.22.
Variant type: single nucleotide variant.
Coding change: c.934A>G on transcript NM_032243.6 (MANE Select); coding-DNA position 934, A replaced by G.
Protein change: p.Lys312Glu; replaces lysine 312 with glutamic acid.
Molecular consequence: missense variant.
Genome position (GRCh38, 1-based): chr18:9,887,614, A>G. VCF-style: chr18-9887614-A-G. GRCh37 (hg19) VCF-style: chr18-9887611-A-G.
Other names: c.1135A>G, p.Lys379Glu (NM_001098529.2); c.934A>G, p.Lys312Glu (NM_001098530.1); short protein forms K312E, K379E.
Identifiers: ClinVar variation 2648578 (VCV002648578.24), dbSNP rs1439779970, ClinGen allele CA401904772.

ClinVar aggregate classification (germline): Likely benign (1 of 4 stars; one submission).

Submission:

CeGaT Center for Human Genetics Tuebingen
Classification: Likely benign. Last evaluated: 2022-11-01. Review status: criteria provided, single submitter. Criteria: CeGaT Center For Human Genetics Tuebingen Variant Classification Criteria Version 2. Collection method: clinical testing. Allele origin: germline. Affected: yes. Observed: 1 variant allele.
Comment: TXNDC2: BP4, BS2